The following is an entry in ClinVar:

ClinVar aggregate classification (germline): Uncertain significance (1 of 4 stars; one submission).

Conditions:
Myoclonic dystonia 26. Identifiers: MedGen C4225341, MONDO:0014620, OMIM 616398.

Allele frequency attached by ClinVar (database versions not stated): TOPMed below 0.00001.

Submission:

Labcorp Genetics (formerly Invitae), Labcorp
Classification: Uncertain significance for Myoclonic dystonia 26. Last evaluated: 2022-03-26. Review status: criteria provided, single submitter. Criteria: Invitae Variant Classification Sherloc (09022015). Collection method: clinical testing. Allele origin: germline.
Comment: This sequence change replaces arginine, which is basic and polar, with serine, which is neutral and polar, at codon 9 of the KCTD17 protein (p.Arg9Ser). This variant is not present in population databases (gnomAD no frequency). In summary, the available evidence is currently insufficient to determine the role of this variant in disease. Therefore, it has been classified as a Variant of Uncertain Significance. Algorithms developed to predict the effect of missense changes on protein structure and function (SIFT, PolyPhen-2, Align-GVGD) all suggest that this variant is likely to be tolerated. This variant has not been reported in the literature in individuals affected with KCTD17-related conditions.

NM_001282684.2(KCTD17):c.6G>C (p.Arg2Ser)

Genes: KCTD17 (potassium channel tetramerization domain containing 17; plus strand), LOC130067340 (ATAC-STARR-seq lymphoblastoid silent region 13677; plus strand). Cytogenetic location: 22q12.3.
Variant type: single nucleotide variant.
Coding change: c.6G>C on transcript NM_001282684.2 (MANE Select); coding-DNA position 6, G replaced by C.
Protein change: p.Arg2Ser; replaces arginine 2 with serine.
Molecular consequence: missense variant.
Genome position (GRCh38, 1-based): chr22:37,051,766, G>C. VCF-style: chr22-37051766-G-C. GRCh37 (hg19) VCF-style: chr22-37447806-G-C.
Other names: c.6G>C, p.Arg2Ser (NM_001282685.2, NM_001282686.2, NM_024681.4); short protein forms R2S.
Identifiers: ClinVar variation 1992304 (VCV001992304.4), dbSNP rs1924500203, ClinGen allele CA411412401.
Genomic context (GRCh38, chr22:37,051,766, plus strand): 5'-CGGTCCCCGCCCGCCCCCAGCGCCCGGGAGGAGGATGCAGACGCCGCGGCCGGCGATGAG[G>C]ATGGAGGCCGGGGAGGCAGCGCCGCCGGCGGGGGCGGGCGGCCGCGCCGCAGGCGGCTGG-3'
Protein context (NP_001269613.2, residues 1-12): M[Arg2Ser]MEAGEAAPPA